The following is an entry in ClinVar:

NM_001134363.3(RBM20):c.1517T>C (p.Val506Ala)

Gene: RBM20 (RNA binding motif protein 20; plus strand). Cytogenetic location: 10q25.2.
Variant type: single nucleotide variant.
Coding change: c.1517T>C on transcript NM_001134363.3 (MANE Select); coding-DNA position 1517, T replaced by C.
Protein change: p.Val506Ala; replaces valine 506 with alanine.
Molecular consequence: missense variant.
Genome position (GRCh38, 1-based): chr10:110,784,879, T>C. VCF-style: chr10-110784879-T-C. GRCh37 (hg19) VCF-style: chr10-112544637-T-C.
Other names: short protein forms V506A.
Identifiers: ClinVar variation 653875 (VCV000653875.10), dbSNP rs1590677685, ClinGen allele CA378388539.

ClinVar aggregate classification (germline): Conflicting classifications of pathogenicity. Review status: criteria provided, conflicting classifications (1 of 4 stars). 2 submissions from 2 submitters: Uncertain significance (1); Likely benign (1). Last evaluated 2024-09-15.

Conditions:
Cardiovascular phenotype. Identifiers: MedGen CN230736.
Dilated cardiomyopathy 1DD (CMD1DD). Identifiers: Orphanet 154, MedGen C2750995, MONDO:0013168, OMIM 613172.

Allele frequency attached by ClinVar (database versions not stated): gnomAD 0.00001; TOPMed 0.00001.
gnomAD v4.1: 5 of 1,528,368 alleles (0.00033%); highest among the groups gnomAD compares: African/African-American, 0.0028%; no homozygotes.

Submissions (2):

Labcorp Genetics (formerly Invitae), Labcorp
Classification: Uncertain significance for Dilated cardiomyopathy 1DD. Last evaluated: 2024-09-15. Review status: criteria provided, single submitter. Criteria: Invitae Variant Classification Sherloc (09022015). Collection method: clinical testing. Allele origin: germline.
Comment: This sequence change replaces valine, which is neutral and non-polar, with alanine, which is neutral and non-polar, at codon 506 of the RBM20 protein (p.Val506Ala). This variant is not present in population databases (gnomAD no frequency). This variant has not been reported in the literature in individuals affected with RBM20-related conditions. ClinVar contains an entry for this variant (Variation ID: 653875). Invitae Evidence Modeling of protein sequence and biophysical properties (such as structural, functional, and spatial information, amino acid conservation, physicochemical variation, residue mobility, and thermodynamic stability) indicates that this missense variant is not expected to disrupt RBM20 protein function with a negative predictive value of 95%. In summary, the available evidence is currently insufficient to determine the role of this variant in disease. Therefore, it has been classified as a Variant of Uncertain Significance.

Ambry Genetics
Classification: Likely benign for Cardiovascular phenotype. Last evaluated: 2021-04-21. Review status: criteria provided, single submitter. Criteria: Ambry Variant Classification Scheme 2023. Collection method: clinical testing. Allele origin: germline.